The following is an entry in ClinVar:

ClinVar aggregate classification (germline): Uncertain significance. Review status: criteria provided, multiple submitters, no conflicts (2 of 4 stars). 2 submissions from 2 submitters: Uncertain significance (2). Last evaluated 2025-07-07.

Allele frequency attached by ClinVar (database versions not stated): ExAC 0.00002; gnomAD exomes 0.00002; ESP Exome Variant Server 0.00008; TOPMed 0.00010.
gnomAD v4.1: 39 of 1,613,972 alleles (0.0024%); highest among the groups gnomAD compares: African/African-American, 0.039%; no homozygotes.

Submissions (2):

Labcorp Genetics (formerly Invitae), Labcorp
Classification: Uncertain significance. Last evaluated: 2025-07-07. Review status: criteria provided, single submitter. Criteria: Invitae Variant Classification Sherloc (09022015). Collection method: clinical testing. Allele origin: germline.
Comment: This sequence change creates a premature translational stop signal (p.Arg645*) in the LRIT3 gene. While this is not anticipated to result in nonsense mediated decay, it is expected to disrupt the last 35 amino acid(s) of the LRIT3 protein. This variant is present in population databases (rs376753294, gnomAD 0.03%). This variant has not been reported in the literature in individuals affected with LRIT3-related conditions. ClinVar contains an entry for this variant (Variation ID: 943491). Experimental studies and prediction algorithms are not available or were not evaluated, and the functional significance of this variant is currently unknown. In summary, the available evidence is currently insufficient to determine the role of this variant in disease. Therefore, it has been classified as a Variant of Uncertain Significance.

Blueprint Genetics
Classification: Uncertain significance. Last evaluated: 2021-09-01. Review status: criteria provided, single submitter. Criteria: ACMG Guidelines, 2015. Collection method: clinical testing. Allele origin: germline.

NM_198506.5(LRIT3):c.1933C>T (p.Arg645Ter)

Gene: LRIT3 (leucine rich repeat, Ig-like and transmembrane domains 3; plus strand). Cytogenetic location: 4q25.
Variant type: single nucleotide variant.
Coding change: c.1933C>T on transcript NM_198506.5 (MANE Select); coding-DNA position 1933, C replaced by T.
Protein change: p.Arg645Ter; replaces arginine 645 with a stop codon.
Molecular consequence: nonsense.
Genome position (GRCh38, 1-based): chr4:109,870,682, C>T. VCF-style: chr4-109870682-C-T. GRCh37 (hg19) VCF-style: chr4-110791838-C-T.
Other names: short protein forms R645*.
Identifiers: ClinVar variation 943491 (VCV000943491.7), dbSNP rs376753294, ClinGen allele CA3043288.